The following is an entry in ClinVar:

ClinVar aggregate classification (germline): Likely benign (1 of 4 stars; one submission).

Allele frequency attached by ClinVar (database versions not stated): 1000 Genomes Project 30x 0.00390; 1000 Genomes Project 0.00419; ESP Exome Variant Server 0.00593; ExAC 0.00783; gnomAD 0.00807.
gnomAD v4.1: 11,917 of 1,598,750 alleles (0.75%); highest among the groups gnomAD compares: Middle Eastern, 0.93%; 86 homozygotes.

Submission:

CeGaT Center for Human Genetics Tuebingen
Classification: Likely benign. Last evaluated: 2023-01-01. Review status: criteria provided, single submitter. Criteria: CeGaT Center For Human Genetics Tuebingen Variant Classification Criteria Version 2. Collection method: clinical testing. Allele origin: germline. Affected: yes. Observed: 3 variant alleles.
Comment: MICAL3: BP4, BS2

NM_015241.3(MICAL3):c.4957C>A (p.Pro1653Thr)

Gene: MICAL3 (microtubule associated monooxygenase, calponin and LIM domain containing 3; minus strand). Cytogenetic location: 22q11.21.
Variant type: single nucleotide variant.
Coding change: c.4957C>A on transcript NM_015241.3 (MANE Select); coding-DNA position 4957, C replaced by A.
Protein change: p.Pro1653Thr; replaces proline 1653 with threonine.
Molecular consequence: missense variant.
Genome position (GRCh38, 1-based): chr22:17,817,704, G>T on the plus strand (C>A on the coding strand, the complement: MICAL3 is on the minus strand). VCF-style: chr22-17817704-G-T. GRCh37 (hg19) VCF-style: chr22-18300470-G-T.
Other names: short protein forms P1653T.
Identifiers: ClinVar variation 2652845 (VCV002652845.24), dbSNP rs45518631, ClinGen allele CA10091433.
Genomic context (GRCh38, chr22:17,817,704, plus strand): 5'-GGACCTCCTCGCTGGTGGCTTCATGCTTCAGGGTGGGCTCCTCGGAGCCCCTGAGAGTGG[G>T]GCGTGTGGGGGAGTCAGGCCGGCGCTCCTTGCCCTGGGAGGGTGCTGAGGACGCCTTGCG-3'
Protein context (NP_056056.2, residues 1643-1663): KERRPDSPTR[Pro1653Thr]TLRGSEEPTL